The following is an entry in ClinVar:

NM_004998.4(MYO1E):c.469G>A (p.Gly157Arg)

Gene: MYO1E (myosin IE; minus strand). Cytogenetic location: 15q22.2.
Variant type: single nucleotide variant.
Coding change: c.469G>A on transcript NM_004998.4 (MANE Select); coding-DNA position 469, G replaced by A.
Protein change: p.Gly157Arg; replaces glycine 157 with arginine.
Molecular consequence: missense variant.
Genome position (GRCh38, 1-based): chr15:59,231,743, C>T on the plus strand (G>A on the coding strand, the complement: MYO1E is on the minus strand). VCF-style: chr15-59231743-C-T. GRCh37 (hg19) VCF-style: chr15-59523942-C-T.
Other names: short protein forms G157R.
Identifiers: ClinVar variation 2978042 (VCV002978042.4), dbSNP rs1281227967, ClinGen allele CA392644979.

ClinVar aggregate classification (germline): Uncertain significance. Review status: criteria provided, multiple submitters, no conflicts (2 of 4 stars). 2 submissions from 2 submitters: Uncertain significance (2). Last evaluated 2024-08-28.

Allele frequency attached by ClinVar (database versions not stated): gnomAD exomes below 0.00001; TOPMed below 0.00001.

Submissions (2):

Labcorp Genetics (formerly Invitae), Labcorp
Classification: Uncertain significance. Last evaluated: 2024-08-28. Review status: criteria provided, single submitter. Criteria: Invitae Variant Classification Sherloc (09022015). Collection method: clinical testing. Allele origin: germline.
Comment: This sequence change replaces glycine, which is neutral and non-polar, with arginine, which is basic and polar, at codon 157 of the MYO1E protein (p.Gly157Arg). This variant is not present in population databases (gnomAD no frequency). This variant has not been reported in the literature in individuals affected with MYO1E-related conditions. Invitae Evidence Modeling of protein sequence and biophysical properties (such as structural, functional, and spatial information, amino acid conservation, physicochemical variation, residue mobility, and thermodynamic stability) indicates that this missense variant is expected to disrupt MYO1E protein function with a positive predictive value of 80%. In summary, the available evidence is currently insufficient to determine the role of this variant in disease. Therefore, it has been classified as a Variant of Uncertain Significance.

Blueprint Genetics
Classification: Uncertain significance. Last evaluated: 2022-10-17. Review status: criteria provided, single submitter. Criteria: ACMG Guidelines, 2015. Collection method: clinical testing. Allele origin: germline.